The following is an entry in ClinVar:

NM_003701.4(TNFSF11):c.704A>G (p.Tyr235Cys)

Gene: TNFSF11 (TNF superfamily member 11; plus strand). Cytogenetic location: 13q14.11.
Variant type: single nucleotide variant.
Coding change: c.704A>G on transcript NM_003701.4 (MANE Select); coding-DNA position 704, A replaced by G.
Protein change: p.Tyr235Cys; replaces tyrosine 235 with cysteine.
Molecular consequence: missense variant.
Genome position (GRCh38, 1-based): chr13:42,606,668, A>G. VCF-style: chr13-42606668-A-G. GRCh37 (hg19) VCF-style: chr13-43180804-A-G.
Other names: c.485A>G, p.Tyr162Cys (NM_033012.4); short protein forms Y162C, Y235C.
Identifiers: ClinVar variation 1701974 (VCV001701974.4), dbSNP rs1368801585, ClinGen allele CA388221530.

ClinVar aggregate classification (germline): Uncertain significance (1 of 4 stars; one submission).

Conditions:
Disorder of bone. Also called: Bone disease; Rare bone disease related to a common gene or pathway defect; Bone disorder. Identifiers: Orphanet 364803, MedGen C0005940, MONDO:0005381.

Allele frequency attached by ClinVar (database versions not stated): TOPMed below 0.00001; gnomAD 0.00001.
gnomAD v4.1: 2 of 1,614,140 alleles (0.00012%); no homozygotes.

Submission:

Genome Diagnostics Laboratory, The Hospital for Sick Children
Classification: Uncertain significance for Disorder of bone. Last evaluated: 2025-05-12. Review status: criteria provided, single submitter. Criteria: ACMG Guidelines, 2015. Collection method: clinical testing. Allele origin: germline. Affected: yes.
Comment: This missense variant results in a change of tyrosine to cysteine at position 235, and in silico analysis does not provide sufficient evidence to support or refute a potential impact on protein function and/or structure. To the best of our knowledge, this variant has not been previously reported in the scientific literature as a benign variant or a disease-causing change. This variant is observed at an allele frequency of 0.00012% in populations of the Genome Aggregation Database (gnomAD). Based on the evidence above, this variant is classified as a variant of uncertain significance (ACMG criteria - PM2)